The following is an entry in ClinVar:

NM_004656.4(BAP1):c.185_186insAGA (p.Val62_Ser63insAsp)

Gene: BAP1 (BRCA1 associated deubiquitinase 1; minus strand). Cytogenetic location: 3p21.1.
Variant type: Insertion.
Coding change: c.185_186insAGA on transcript NM_004656.4 (MANE Select); coding-DNA positions 185 to 186, AGA inserted.
Protein change: p.Val62_Ser63insAsp.
Genome position: GRCh38 VCF-style: chr3-52408543-G-GTCT. GRCh37 (hg19) VCF-style: chr3-52442559-G-GTCT.
Other names: c.185_186insAGA, p.Val62_Ser63insAsp (NM_001410772.1).
Identifiers: ClinVar variation 3664465 (VCV003664465.2).

ClinVar aggregate classification (germline): Uncertain significance (1 of 4 stars; one submission).

Conditions:
BAP1-related tumor predisposition syndrome (TPDS1). Also called: BAP1 tumor predisposition syndrome; Tumor susceptibility linked to germline BAP1 mutations; COMMON Syndrome; TUMOR PREDISPOSITION SYNDROME 1. Identifiers: Orphanet 289539, MedGen C3280492, MONDO:0013692, OMIM 614327.

Submission:

Labcorp Genetics (formerly Invitae), Labcorp
Classification: Uncertain significance for BAP1-related tumor predisposition syndrome. Last evaluated: 2024-09-04. Review status: criteria provided, single submitter. Criteria: Invitae Variant Classification Sherloc (09022015). Collection method: clinical testing. Allele origin: germline.
Comment: This variant, c.185_186insAGA, results in the insertion of 1 amino acid(s) of the BAP1 protein (p.Val62_Ser63insAsp), but otherwise preserves the integrity of the reading frame. This variant is not present in population databases (gnomAD no frequency). This variant has not been reported in the literature in individuals affected with BAP1-related conditions. Algorithms developed to predict the effect of sequence changes on RNA splicing suggest that this variant may disrupt the consensus splice site. In summary, the available evidence is currently insufficient to determine the role of this variant in disease. Therefore, it has been classified as a Variant of Uncertain Significance.